The following is an entry in ClinVar:

ClinVar aggregate classification (germline): Likely pathogenic. Review status: criteria provided, multiple submitters, no conflicts (2 of 4 stars). 3 submissions from 3 submitters: Likely pathogenic (3). Last evaluated 2026-04-06.

Conditions:
Hypertrophic cardiomyopathy. Also called: HYPERTROPHIC MYOCARDIOPATHY. Identifiers: Orphanet 217569, MedGen C0007194, MeSH D002312, MONDO:0005045, HP:0001639.

Allele frequency attached by ClinVar (database versions not stated): gnomAD exomes 0.00001.
gnomAD v4.1: 9 of 1,557,658 alleles (0.00058%); highest among the groups gnomAD compares: Non-Finnish European, 0.00078%; no homozygotes.

Submissions (3):

GeneDx
Classification: Likely pathogenic. Last evaluated: 2026-04-06. Review status: criteria provided, single submitter. Criteria: GeneDx Variant Classification Process June 2021. Collection method: clinical testing. Allele origin: germline.
Comment: Canonical splice site variant predicted to result in an in-frame loss of the adjacent exon in a gene for which loss of function is a known mechanism of disease; Not observed at significant frequency in large population cohorts (gnomAD); Has not been previously published as pathogenic or benign to our knowledge

Labcorp Genetics (formerly Invitae), Labcorp
Classification: Likely pathogenic for Hypertrophic cardiomyopathy. Last evaluated: 2025-05-18. Review status: criteria provided, single submitter. Criteria: Invitae Variant Classification Sherloc (09022015). Collection method: clinical testing. Allele origin: germline.
Comment: This sequence change affects a donor splice site in intron 3 of the MYBPC3 gene. It is expected to disrupt RNA splicing. Variants that disrupt the donor or acceptor splice site typically lead to a loss of protein function (PMID: 16199547), and loss-of-function variants in MYBPC3 are known to be pathogenic (PMID: 19574547). The frequency data for this variant in the population databases is considered unreliable, as metrics indicate poor data quality at this position in the gnomAD database. This variant has not been reported in the literature in individuals affected with MYBPC3-related conditions. ClinVar contains an entry for this variant (Variation ID: 1515089). Algorithms developed to predict the effect of sequence changes on RNA splicing suggest that this variant may disrupt the consensus splice site. In summary, the currently available evidence indicates that the variant is pathogenic, but additional data are needed to prove that conclusively. Therefore, this variant has been classified as Likely Pathogenic.

Laboratory for Molecular Medicine, Mass General Brigham Personalized Medicine
Classification: Likely pathogenic for Hypertrophic cardiomyopathy. Last evaluated: 2019-02-15. Review status: criteria provided, single submitter. Criteria: ACMG Guidelines, 2015. Collection method: clinical testing. Allele origin: germline.
Comment: The c.406+1G>A variant in MYBPC3 has not been previously reported in individuals with cardiomyopathy, but has been identified in 0.0014% (1/71345) of European (non-Finnish) chromosomes by gnomAD. This variant is located in the 5' splice region. This variant occurs within the canonical splice site (+/- 1,2) and is predicted to cause altered splicing leading to an abnormal or absent protein. Loss of function of the MYBPC3 gene is an established disease mechanism in autosomal dominant hypertrophic cardiomyopathy. In summary, although additional studies are required to fully establish its clinical significance, this variantis likely pathogenic for autosomal dominant hypertrophic cardiomyopathy. ACMG/AMP criteria applied: PVS1, PM2.

Literature cited by the submitters: PubMed 16199547 (cited by Labcorp Genetics (formerly Invitae), Labcorp); PubMed 19574547 (cited by Labcorp Genetics (formerly Invitae), Labcorp).

NM_000256.3(MYBPC3):c.406+1G>A

Gene: MYBPC3 (myosin binding protein C3; minus strand). Cytogenetic location: 11p11.2.
Variant type: single nucleotide variant.
Coding change: c.406+1G>A on transcript NM_000256.3 (MANE Select); the canonical splice donor site of the intron after coding-DNA position 406, G replaced by A.
Molecular consequence: splice donor variant.
Genome position (GRCh38, 1-based): chr11:47,350,501, C>T on the plus strand (G>A on the coding strand, the complement: MYBPC3 is on the minus strand). VCF-style: chr11-47350501-C-T. GRCh37 (hg19) VCF-style: chr11-47372052-C-T.
Identifiers: ClinVar variation 1515089 (VCV001515089.10), dbSNP rs1223603416, ClinGen allele CA380339246.